The following is an entry in ClinVar:

NM_005732.4(RAD50):c.187G>C (p.Gly63Arg)

Gene: RAD50 (RAD50 double strand break repair protein; plus strand). Cytogenetic location: 5q31.1.
Variant type: single nucleotide variant.
Coding change: c.187G>C on transcript NM_005732.4 (MANE Select); coding-DNA position 187, G replaced by C.
Protein change: p.Gly63Arg; replaces glycine 63 with arginine.
Molecular consequence: missense variant.
Genome position (GRCh38, 1-based): chr5:132,559,341, G>C. VCF-style: chr5-132559341-G-C. GRCh37 (hg19) VCF-style: chr5-131895033-G-C.
Other names: short protein forms G63R.
Identifiers: ClinVar variation 2086650 (VCV002086650.4), dbSNP rs1580976250, ClinGen allele CA360953604.
Genomic context (GRCh38, chr5:132,559,341, plus strand): 5'-TAGACCATCATTGAATGTCTAAAATATATTTGTACTGGAGATTTCCCTCCTGGAACCAAA[G>C]GAAATACATTTGTACACGATCCCAAGGTAATGGTGCTAGTACAATTTTGTATTTTTATAA-3'
Protein context (NP_005723.2, residues 53-73): CTGDFPPGTK[Gly63Arg]NTFVHDPKVA

ClinVar aggregate classification (germline): Uncertain significance (1 of 4 stars; one submission).

Conditions:
Hereditary cancer-predisposing syndrome. Also called: Tumor predisposition; Neoplastic Syndromes, Hereditary; Hereditary Cancer Syndrome; Hereditary neoplastic syndrome. Identifiers: Orphanet 140162, MedGen C0027672, MeSH D009386, MONDO:0015356.

Submission:

Labcorp Genetics (formerly Invitae), Labcorp
Classification: Uncertain significance for Hereditary cancer-predisposing syndrome. Last evaluated: 2024-04-23. Review status: criteria provided, single submitter. Criteria: Invitae Variant Classification Sherloc (09022015). Collection method: clinical testing. Allele origin: germline.
Comment: This sequence change replaces glycine, which is neutral and non-polar, with arginine, which is basic and polar, at codon 63 of the RAD50 protein (p.Gly63Arg). This variant is not present in population databases (gnomAD no frequency). This variant has not been reported in the literature in individuals affected with RAD50-related conditions. ClinVar contains an entry for this variant (Variation ID: 2086650). Advanced modeling of protein sequence and biophysical properties (such as structural, functional, and spatial information, amino acid conservation, physicochemical variation, residue mobility, and thermodynamic stability) performed at Invitae indicates that this missense variant is expected to disrupt RAD50 protein function with a positive predictive value of 80%. In summary, the available evidence is currently insufficient to determine the role of this variant in disease. Therefore, it has been classified as a Variant of Uncertain Significance.